The following is an entry in ClinVar:

NM_000503.6(EYA1):c.1475G>C (p.Arg492Pro)

Gene: EYA1 (EYA transcriptional coactivator and phosphatase 1; minus strand). Cytogenetic location: 8q13.3.
Variant type: single nucleotide variant.
Coding change: c.1475G>C on transcript NM_000503.6 (MANE Select); coding-DNA position 1475, G replaced by C.
Protein change: p.Arg492Pro; replaces arginine 492 with proline.
Molecular consequence: missense variant.
Genome position (GRCh38, 1-based): chr8:71,215,614, C>G on the plus strand (G>C on the coding strand, the complement: EYA1 is on the minus strand). VCF-style: chr8-71215614-C-G. GRCh37 (hg19) VCF-style: chr8-72127849-C-G.
Other names: c.1457G>C, p.Arg486Pro (NM_001288574.2, NM_172059.5); c.1109G>C, p.Arg370Pro (NM_001288575.2); c.1562G>C, p.Arg521Pro (NM_001370333.1); c.1475G>C, p.Arg492Pro (NM_001370334.1, NM_001370335.1, NM_172058.4); c.1454G>C, p.Arg485Pro (NM_001370336.1); c.1376G>C, p.Arg459Pro (NM_001411797.1, NM_172060.4); short protein forms R370P, R485P, R486P, R459P, R492P, R521P.
Identifiers: ClinVar variation 3720833 (VCV003720833.2).

ClinVar aggregate classification (germline): Uncertain significance (1 of 4 stars; one submission).

Conditions:
Melnick-Fraser syndrome (BOR). Also called: Branchiootorenal syndrome; Branchiootorenal Syndrome (BORS); Branchio-oto-renal syndrome. Identifiers: Orphanet 107, MedGen C0265234, MONDO:0007029.

Submission:

Labcorp Genetics (formerly Invitae), Labcorp
Classification: Uncertain significance for Melnick-Fraser syndrome. Last evaluated: 2024-04-04. Review status: criteria provided, single submitter. Criteria: Invitae Variant Classification Sherloc (09022015). Collection method: clinical testing. Allele origin: germline.
Comment: This sequence change replaces arginine, which is basic and polar, with proline, which is neutral and non-polar, at codon 492 of the EYA1 protein (p.Arg492Pro). This variant also falls at the last nucleotide of exon 15, which is part of the consensus splice site for this exon. This variant is not present in population databases (gnomAD no frequency). This missense change has been observed in individual(s) with clinical features of branchiootorenal syndrome (PMID: 18220287; Invitae). An algorithm developed to predict the effect of missense changes on protein structure and function (PolyPhen-2) suggests that this variant is likely to be disruptive. Variants that disrupt the consensus splice site are a relatively common cause of aberrant splicing (PMID: 17576681, 9536098). Algorithms developed to predict the effect of sequence changes on RNA splicing suggest that this variant may disrupt the consensus splice site. In summary, the available evidence is currently insufficient to determine the role of this variant in disease. Therefore, it has been classified as a Variant of Uncertain Significance.

Literature cited by the submitters: PubMed 18220287; PubMed 17576681; PubMed 9536098.